The following is an entry in ClinVar:

NM_006208.3(ENPP1):c.2376T>A (p.Asn792Lys)

Gene: ENPP1 (ectonucleotide pyrophosphatase/phosphodiesterase 1; plus strand). Cytogenetic location: 6q23.2.
Variant type: single nucleotide variant.
Coding change: c.2376T>A on transcript NM_006208.3 (MANE Select); coding-DNA position 2376, T replaced by A.
Protein change: p.Asn792Lys; replaces asparagine 792 with lysine.
Molecular consequence: missense variant.
Genome position (GRCh38, 1-based): chr6:131,884,995, T>A. VCF-style: chr6-131884995-T-A. GRCh37 (hg19) VCF-style: chr6-132206135-T-A.
Other names: short protein forms N792K.
Identifiers: ClinVar variation 870422 (VCV000870422.11), dbSNP rs137853273, ClinGen allele CA4002515.

ClinVar aggregate classification (germline): Conflicting classifications of pathogenicity. Review status: criteria provided, conflicting classifications (1 of 4 stars). 6 submissions from 6 submitters: Likely pathogenic (3); Uncertain significance (3). Last evaluated 2025-02-10.

Conditions:
Arterial calcification, generalized, of infancy, 1 (GACI1). Also called: Idiopathic Infantile Arterial Calcification. Identifiers: Orphanet 51608, MedGen C4551985, MONDO:0008817, OMIM 208000.
Inherited obesity. Also called: Monogenic Obesity. Identifiers: Orphanet 77828, MedGen C4054476, MONDO:0019182, OMIM 601665.
Hypophosphatemic rickets, autosomal recessive, 2 (ARHR2). Identifiers: Orphanet 289176, MedGen C2750078, MONDO:0013219, OMIM 613312.
Type 2 diabetes mellitus. Also called: Type II diabetes mellitus. Identifiers: MedGen C0011860, MeSH D003924, MONDO:0005148, OMIM 125853, HP:0005978.
Hypopigmentation-punctate palmoplantar keratoderma syndrome. Also called: GUTTATE HYPOPIGMENTATION AND PUNCTATE PALMOPLANTAR KERATODERMA WITH OR WITHOUT ECTOPIC CALCIFICATION; Cole disease. Identifiers: Orphanet 324561, MedGen C3809781, MONDO:0014227, OMIM 615522.

Allele frequency attached by ClinVar (database versions not stated): gnomAD exomes 0.00007 and 0.00001; gnomAD 0.00003 and 0.00004; ExAC 0.00002; TOPMed 0.00004.
gnomAD v4.1: 100 of 1,613,860 alleles (0.0062%); highest among the groups gnomAD compares: Non-Finnish European, 0.0084%; no homozygotes.

Submissions (6):

Labcorp Genetics (formerly Invitae), Labcorp
Classification: Uncertain significance. Last evaluated: 2025-02-10. Review status: criteria provided, single submitter. Criteria: Invitae Variant Classification Sherloc (09022015). Collection method: clinical testing. Allele origin: germline.
Comment: This sequence change replaces asparagine, which is neutral and polar, with lysine, which is basic and polar, at codon 792 of the ENPP1 protein (p.Asn792Lys). This variant is present in population databases (rs137853273, gnomAD 0.0009%). This missense change has been observed in individual(s) with autosomal recessive ENPP1-related conditions (PMID: 32573669, 33465815). ClinVar contains an entry for this variant (Variation ID: 870422). Invitae Evidence Modeling of protein sequence and biophysical properties (such as structural, functional, and spatial information, amino acid conservation, physicochemical variation, residue mobility, and thermodynamic stability) indicates that this missense variant is expected to disrupt ENPP1 protein function with a positive predictive value of 80%. This variant disrupts the p.Asn792 amino acid residue in ENPP1. Other variant(s) that disrupt this residue have been determined to be pathogenic (PMID: 12881724, 20016754). This suggests that this residue is clinically significant, and that variants that disrupt this residue are likely to be disease-causing. In summary, the available evidence is currently insufficient to determine the role of this variant in disease. Therefore, it has been classified as a Variant of Uncertain Significance.

Blueprint Genetics
Classification: Uncertain significance. Last evaluated: 2024-05-30. Review status: criteria provided, single submitter. Criteria: ACMG Guidelines, 2015. Collection method: clinical testing. Allele origin: germline.

Women's Health and Genetics/Laboratory Corporation of America, LabCorp
Classification: Uncertain significance. Last evaluated: 2024-04-25. Review status: criteria provided, single submitter. Criteria: LabCorp Variant Classification Summary - May 2015. Collection method: clinical testing. Allele origin: germline.
Comment: Variant summary: ENPP1 c.2376T>A (p.Asn792Lys) results in a non-conservative amino acid change located in the DNA/RNA non-specific endonuclease domain (IPR001604) of the encoded protein sequence. Four of five in-silico tools predict a damaging effect of the variant on protein function. The variant allele was found at a frequency of 8e-06 in 251406 control chromosomes. c.2376T>A has been reported in the literature in three individuals affected with ENPP1-Related Disorders (Lunke_2020, Theng_2022). A different amino acid change in the same codon, c.2375A>G (p.Asn792Ser) has previously been described as compound heterozygous with either a misssense variant in two infant siblings or a nonsense variant in another infant with infantile arterial calcification (Rutsch et al., 2008). These data suggests clinical importance of this residue in ENPP1 protein function. To our knowledge, no experimental evidence demonstrating an impact on protein function has been reported. ClinVar contains an entry for this variant (Variation ID: 870422). Based on the evidence outlined above, the variant was classified as VUS-possibly pathogenic.

GeneDx
Classification: Likely pathogenic. Last evaluated: 2024-03-25. Review status: criteria provided, single submitter. Criteria: GeneDx Variant Classification Process June 2021. Collection method: clinical testing. Allele origin: germline. Affected: yes.
Comment: Not observed at significant frequency in large population cohorts (gnomAD); In silico analysis supports that this missense variant has a deleterious effect on protein structure/function; This variant is associated with the following publications: (PMID: 12881724, 25741938, 33465815, 32573669)

Fulgent Genetics
Classification: Likely pathogenic for Type 2 diabetes mellitus; Arterial calcification, generalized, of infancy, 1; Inherited obesity; Hypophosphatemic rickets, autosomal recessive, 2; Hypopigmentation-punctate palmoplantar keratoderma syndrome. Last evaluated: 2024-03-10. Review status: criteria provided, single submitter. Criteria: ACMG Guidelines, 2015. Collection method: clinical testing. Allele origin: germline.

Victorian Clinical Genetics Services, Murdoch Childrens Research Institute
Classification: Likely pathogenic for Arterial calcification, generalized, of infancy, 1. Last evaluated: 2019-01-05. Review status: criteria provided, single submitter. Criteria: ACMG Guidelines, 2015. Collection method: clinical testing. Allele origin: paternal. Affected: yes. Observed: 2 variant alleles.
Comment: A heterozygous missense variant, NM_006208.2(ENPP1):c.2376T>A, has been identified in exon 23 of 25 of the ENPP1 gene. The variant is predicted to result in a moderate amino acid change from an Asparagine to a Lysine at position 792 of the protein, NM_006208.2(ENPP1):p.(Asn792Lys). The Asparagine residue at this position has very high conservation (100 vertebrates, UCSC), and is located within the Nuclease-like functional domain. In silico predictions for this variant are consistently pathogenic (Polyphen, SIFT, CADD, Mutation Taster). The variant is absent in population databases (gnomAD, dbSNP, 1000G), however three alternative residue changes have been reported in the gnomAD database (total of 23 het and 1 hom). This variant has not been previously reported in clinical cases. A different amino acid change in the same codon, p.(Asn792Ser) has previously been described as compound heterozygous pathogenic variant in two independent infants with infantile arterial calcification (Rutsch et al., 2003). Functional data for the N792S variant showed reduced enzyme activity (Rutsch et al., 2003). Based on the information available at the time of curation, this variant has been classified as LIKELY PATHOGENIC. The presence of these two variants in trans confirms a compound heterozygous mode of inheritance which is consistent with generalised infant arterial calcification.

Literature cited by the submitters: PubMed 32573669 (cited by Labcorp Genetics (formerly Invitae), Labcorp and Women's Health and Genetics/Laboratory Corporation of America, LabCorp); PubMed 33465815 (cited by Labcorp Genetics (formerly Invitae), Labcorp); PubMed 12881724 (cited by Labcorp Genetics (formerly Invitae), Labcorp); PubMed 20016754 (cited by Labcorp Genetics (formerly Invitae), Labcorp); PubMed 33005041 (cited by Women's Health and Genetics/Laboratory Corporation of America, LabCorp); PubMed 35475527 (cited by Women's Health and Genetics/Laboratory Corporation of America, LabCorp); PubMed 35854274 (cited by Women's Health and Genetics/Laboratory Corporation of America, LabCorp).